The following is an entry in ClinVar:

NM_003820.4(TNFRSF14):c.305-171G>A

Gene: TNFRSF14 (TNF receptor superfamily member 14; plus strand). Cytogenetic location: 1p36.32.
Variant type: single nucleotide variant.
Coding change: c.305-171G>A on transcript NM_003820.4 (MANE Select); 171 bases into the intron before coding-DNA position 305, G replaced by A.
Molecular consequence: intron variant.
Genome position (GRCh38, 1-based): chr1:2,559,652, G>A. VCF-style: chr1-2559652-G-A. GRCh37 (hg19) VCF-style: chr1-2491091-G-A.
Other names: c.305-171G>A (NM_001297605.2).
Identifiers: ClinVar variation 133412 (VCV000133412.1), dbSNP rs587777995, ClinGen allele CA156504.

ClinVar aggregate classification (germline): not provided (0 of 4 stars; one submission).

Allele frequency attached by ClinVar (database versions not stated): gnomAD 0.00001; gnomAD exomes 0.00001 and 0.00003; TOPMed 0.00001; ExAC 0.00015.
gnomAD v4.1: 18 of 1,534,892 alleles (0.0012%); highest among the groups gnomAD compares: South Asian, 0.014%; no homozygotes.

Submission:

ITMI
No classification provided. Condition: AllHighlyPenetrant. Last evaluated: 2013-09-19. Review status: no classification provided. Collection method: reference population. Allele origin: germline.
Comment: Please see associated publication for description of ethnicities

Literature cited by the submitters: PubMed 24728327.